The following is an entry in ClinVar:

ClinVar aggregate classification (germline): Uncertain significance (1 of 4 stars; one submission).

Conditions:
Cognitive impairment - coarse facies - heart defects - obesity - pulmonary involvement - short stature - skeletal dysplasia syndrome. Also called: COGNITIVE IMPAIRMENT, COARSE FACIES, HEART DEFECTS, OBESITY, PULMONARY INVOLVEMENT, SHORT STATURE, AND SKELETAL DYSPLASIA; Chops syndrome; AFF4-Related CHOPS Syndrome. Identifiers: Orphanet 444077, MedGen C4085597, MONDO:0014609, OMIM 616368.

Submission:

Labcorp Genetics (formerly Invitae), Labcorp
Classification: Uncertain significance for Cognitive impairment - coarse facies - heart defects - obesity - pulmonary involvement - short stature - skeletal dysplasia syndrome. Last evaluated: 2023-05-09. Review status: criteria provided, single submitter. Criteria: Invitae Variant Classification Sherloc (09022015). Collection method: clinical testing. Allele origin: germline.
Comment: This variant is not present in population databases (gnomAD no frequency). In summary, the available evidence is currently insufficient to determine the role of this variant in disease. Therefore, it has been classified as a Variant of Uncertain Significance. Advanced modeling of protein sequence and biophysical properties (such as structural, functional, and spatial information, amino acid conservation, physicochemical variation, residue mobility, and thermodynamic stability) performed at Invitae indicates that this missense variant is not expected to disrupt AFF4 protein function. This variant has not been reported in the literature in individuals affected with AFF4-related conditions. This sequence change replaces glutamic acid, which is acidic and polar, with aspartic acid, which is acidic and polar, at codon 341 of the AFF4 protein (p.Glu341Asp).

NM_014423.4(AFF4):c.1023A>C (p.Glu341Asp)

Gene: AFF4 (ALF transcription elongation factor 4; minus strand). Cytogenetic location: 5q31.1.
Variant type: single nucleotide variant.
Coding change: c.1023A>C on transcript NM_014423.4 (MANE Select); coding-DNA position 1023, A replaced by C.
Protein change: p.Glu341Asp; replaces glutamic acid 341 with aspartic acid.
Molecular consequence: missense variant.
Genome position (GRCh38, 1-based): chr5:132,927,148, T>G on the plus strand (A>C on the coding strand, the complement: AFF4 is on the minus strand). VCF-style: chr5-132927148-T-G. GRCh37 (hg19) VCF-style: chr5-132262840-T-G.
Other names: short protein forms E341D.
Identifiers: ClinVar variation 2862824 (VCV002862824.3), dbSNP rs2532556879, ClinGen allele CA360952674.